The following is an entry in ClinVar:

ClinVar aggregate classification (germline): Uncertain significance. Review status: criteria provided, multiple submitters, no conflicts (2 of 4 stars). 2 submissions from 2 submitters: Uncertain significance (2). Last evaluated 2026-01-22.

Conditions:
Fanconi anemia (FA). Also called: Fanconi's anemia. Identifiers: Orphanet 84, MedGen C0015625, MeSH D005199, MONDO:0019391.
Inborn genetic diseases. Identifiers: MedGen C0950123, MeSH D030342.

Submissions (2):

Labcorp Genetics (formerly Invitae), Labcorp
Classification: Uncertain significance for Fanconi anemia. Last evaluated: 2026-01-22. Review status: criteria provided, single submitter. Criteria: Invitae Variant Classification Sherloc (09022015). Collection method: clinical testing. Allele origin: germline.
Comment: This sequence change replaces asparagine, which is neutral and polar, with aspartic acid, which is acidic and polar, at codon 1216 of the FANCM protein (p.Asn1216Asp). This variant is not present in population databases (gnomAD no frequency). This variant has not been reported in the literature in individuals affected with FANCM-related conditions. ClinVar contains an entry for this variant (Variation ID: 3512897). An algorithm developed to predict the effect of missense changes on protein structure and function (PolyPhen-2) suggests that this variant is likely to be tolerated. In summary, the available evidence is currently insufficient to determine the role of this variant in disease. Therefore, it has been classified as a Variant of Uncertain Significance.

Ambry Genetics
Classification: Uncertain significance for Inborn genetic diseases. Last evaluated: 2024-11-18. Review status: criteria provided, single submitter. Criteria: Ambry Variant Classification Scheme 2023. Collection method: clinical testing. Allele origin: germline.
Comment: The p.N1216D variant (also known as c.3646A>G), located in coding exon 14 of the FANCM gene, results from an A to G substitution at nucleotide position 3646. The asparagine at codon 1216 is replaced by aspartic acid, an amino acid with highly similar properties. This amino acid position is conserved. In addition, this alteration is predicted to be tolerated by in silico analysis. Based on the available evidence, the clinical significance of this variant remains unclear.

NM_020937.4(FANCM):c.3646A>G (p.Asn1216Asp)

Gene: FANCM (FA complementation group M; plus strand). Cytogenetic location: 14q21.2.
Variant type: single nucleotide variant.
Coding change: c.3646A>G on transcript NM_020937.4 (MANE Select); coding-DNA position 3646, A replaced by G.
Protein change: p.Asn1216Asp; replaces asparagine 1216 with aspartic acid.
Molecular consequence: missense variant.
Genome position (GRCh38, 1-based): chr14:45,176,400, A>G. VCF-style: chr14-45176400-A-G. GRCh37 (hg19) VCF-style: chr14-45645603-A-G.
Other names: c.3568A>G, p.Asn1190Asp (NM_001308133.2); short protein forms N1190D, N1216D.
Identifiers: ClinVar variation 3512897 (VCV003512897.3).